The following is an entry in ClinVar:

NM_020937.4(FANCM):c.3060G>T (p.Leu1020Phe)

Gene: FANCM (FA complementation group M; plus strand). Cytogenetic location: 14q21.2.
Variant type: single nucleotide variant.
Coding change: c.3060G>T on transcript NM_020937.4 (MANE Select); coding-DNA position 3060, G replaced by T.
Protein change: p.Leu1020Phe; replaces leucine 1020 with phenylalanine.
Molecular consequence: missense variant.
Genome position (GRCh38, 1-based): chr14:45,175,814, G>T. VCF-style: chr14-45175814-G-T. GRCh37 (hg19) VCF-style: chr14-45645017-G-T.
Other names: c.2982G>T, p.Leu994Phe (NM_001308133.2); short protein forms L1020F, L994F.
Identifiers: ClinVar variation 4254714 (VCV004254714.2).

ClinVar aggregate classification (germline): Uncertain significance. Review status: criteria provided, multiple submitters, no conflicts (2 of 4 stars). 2 submissions from 2 submitters: Uncertain significance (2). Last evaluated 2025-08-29.

Conditions:
Fanconi anemia (FA). Also called: Fanconi's anemia. Identifiers: Orphanet 84, MedGen C0015625, MeSH D005199, MONDO:0019391.
Inborn genetic diseases. Identifiers: MedGen C0950123, MeSH D030342.

Submissions (2):

Ambry Genetics
Classification: Uncertain significance for Inborn genetic diseases. Last evaluated: 2025-08-29. Review status: criteria provided, single submitter. Criteria: Ambry Variant Classification Scheme 2023. Collection method: clinical testing. Allele origin: germline.
Comment: The p.L1020F variant (also known as c.3060G>T), located in coding exon 14 of the FANCM gene, results from a G to T substitution at nucleotide position 3060. The leucine at codon 1020 is replaced by phenylalanine, an amino acid with highly similar properties. This amino acid position is conserved. In addition, this alteration is predicted to be tolerated by in silico analysis. Based on the available evidence, the clinical significance of this variant remains unclear.

Labcorp Genetics (formerly Invitae), Labcorp
Classification: Uncertain significance for Fanconi anemia. Last evaluated: 2025-08-20. Review status: criteria provided, single submitter. Criteria: Invitae Variant Classification Sherloc (09022015). Collection method: clinical testing. Allele origin: germline.
Comment: This sequence change replaces leucine, which is neutral and non-polar, with phenylalanine, which is neutral and non-polar, at codon 1020 of the FANCM protein (p.Leu1020Phe). This variant is not present in population databases (gnomAD no frequency). This variant has not been reported in the literature in individuals affected with FANCM-related conditions. An algorithm developed to predict the effect of missense changes on protein structure and function (PolyPhen-2) suggests that this variant is likely to be tolerated. In summary, the available evidence is currently insufficient to determine the role of this variant in disease. Therefore, it has been classified as a Variant of Uncertain Significance.